The following is an entry in ClinVar:

NM_005422.4(TECTA):c.5990T>C (p.Ile1997Thr)

Genes: TECTA (tectorin alpha; plus strand), TBCEL-TECTA (TBCEL-TECTA readthrough; plus strand). Cytogenetic location: 11q23.3.
Variant type: single nucleotide variant.
Coding change: c.5990T>C on transcript NM_005422.4 (MANE Select); coding-DNA position 5990, T replaced by C.
Protein change: p.Ile1997Thr; replaces isoleucine 1997 with threonine.
Molecular consequence: missense variant.
Genome position (GRCh38, 1-based): chr11:121,168,916, T>C. VCF-style: chr11-121168916-T-C. GRCh37 (hg19) VCF-style: chr11-121039625-T-C.
Other names: c.6932T>C, p.Ile2311Thr (NM_001378761.1); short protein forms I1997T, I2311T.
Identifiers: ClinVar variation 520766 (VCV000520766.6), dbSNP rs143748991, ClinGen allele CA6327849.

ClinVar aggregate classification (germline): Uncertain significance. Review status: criteria provided, multiple submitters, no conflicts (2 of 4 stars). 2 submissions from 2 submitters: Uncertain significance (2). Last evaluated 2024-10-15.

Conditions:
Inborn genetic diseases. Identifiers: MedGen C0950123, MeSH D030342.
Autosomal dominant nonsyndromic hearing loss 12. Also called: DEAFNESS, AUTOSOMAL DOMINANT 8. Identifiers: Orphanet 90635, MedGen C1832187, MONDO:0011102, OMIM 601543.

Allele frequency attached by ClinVar (database versions not stated): gnomAD exomes below 0.00001 and 0.00001; gnomAD 0.00001; TOPMed 0.00001; ExAC 0.00002; ESP Exome Variant Server 0.00015.
gnomAD v4.1: 16 of 1,614,036 alleles (0.00099%); highest among the groups gnomAD compares: East Asian, 0.0022%; no homozygotes.

Submissions (2):

Victorian Clinical Genetics Services, Murdoch Childrens Research Institute
Classification: Uncertain significance for Autosomal dominant nonsyndromic hearing loss 12. Last evaluated: 2024-10-15. Review status: criteria provided, single submitter. Criteria: ACMG Guidelines, 2015. Collection method: clinical testing. Allele origin: germline. Affected: yes.
Comment: This variant is classified as VUS-3A. Evidence in support of pathogenic classification: Variant is present in gnomAD <0.01 (v4: 16 heterozygote(s), 0 homozygote(s)); This variant has strong evidence for segregation with disease. This variant has been observed in twelve affected individuals and one unaffected individual of a large family with deafness (PMID: 22718023); Missense variant consistently predicted to be damaging by in silico tool or highly conserved with a major amino acid change. Additional information: Variant is predicted to result in a missense amino acid change from isoleucine to threonine; This variant is heterozygous; This gene is associated with both recessive and dominant disease. Generally, biallelic loss of function variants cause recessive deafness, while missense variants cause dominant deafness (PMID: 9949200, 20947814, 28946916) - Previous reports of pathogenicity for this variant are conflicting. This variant has been classified as a VUS by a clinical laboratory in ClinVar, and has been reported in the literature in two families with deafness (PMID: 22718023); No published functional evidence has been identified for this variant; No comparable missense variants have previous evidence for pathogenicity; Variant is located in the Zona pellucida-like domain (DECIPHER); Loss of function is a known mechanism of disease in this gene and is associated with autosomal recessive deafness 21 (MIM#603629). The mechanism for autosomal dominant deafness 8/12 (MIM#601543) is unknown; however, dominant negative is a suggested mechanism (OMIM, PMID: 31554319); Inheritance information for this variant is not currently available in this individual.

Ambry Genetics
Classification: Uncertain significance for Inborn genetic diseases. Last evaluated: 2015-09-17. Review status: criteria provided, single submitter. Criteria: Ambry exome assertion method (8-5-2015). Collection method: clinical testing. Allele origin: germline. Affected: yes. Observed: 1 variant allele.

Literature cited by the submitters: PubMed 28946916 (cited by Victorian Clinical Genetics Services, Murdoch Childrens Research Institute); PubMed 20947814 (cited by Victorian Clinical Genetics Services, Murdoch Childrens Research Institute); PubMed 31554319 (cited by Victorian Clinical Genetics Services, Murdoch Childrens Research Institute); PubMed 9949200 (cited by Victorian Clinical Genetics Services, Murdoch Childrens Research Institute).